The following is an entry in ClinVar:

NM_030962.4(SBF2):c.230G>A (p.Arg77Gln)

Gene: SBF2 (SET binding factor 2; minus strand). Cytogenetic location: 11p15.4.
Variant type: single nucleotide variant.
Coding change: c.230G>A on transcript NM_030962.4 (MANE Select); coding-DNA position 230, G replaced by A.
Protein change: p.Arg77Gln; replaces arginine 77 with glutamine.
Molecular consequence: missense variant.
Genome position (GRCh38, 1-based): chr11:10,042,893, C>T on the plus strand (G>A on the coding strand, the complement: SBF2 is on the minus strand). VCF-style: chr11-10042893-C-T. GRCh37 (hg19) VCF-style: chr11-10064440-C-T.
Other names: c.230G>A, p.Arg77Gln (NM_001386339.1, NM_001386342.1); short protein forms R77Q.
Identifiers: ClinVar variation 1056701 (VCV001056701.7), dbSNP rs747102118, ClinGen allele CA5882184.
Genomic context (GRCh38, chr11:10,042,893, plus strand): 5'-GGTTTTTGTACCTGAAGATTGATCTCTGCCTCATAGAAGGTTAGGCATGAGCAGTAATGT[C>T]GATCTGAGTCAATGTCTGTCAGGACAACCACAAAGAACGTTGGCTGCTTCCTCTCTCTGG-3'
Protein context (NP_112224.1, residues 67-87): VVVLTDIDSD[Arg77Gln]HYCSCLTFYE

ClinVar aggregate classification (germline): Uncertain significance (1 of 4 stars; one submission).

Conditions:
Charcot-Marie-Tooth disease type 4. Also called: Charcot-Marie-Tooth, Type 4; Charcot-Marie-Tooth disease, type IV. Identifiers: Orphanet 64749, MedGen C4082197, MONDO:0018995.

Allele frequency attached by ClinVar (database versions not stated): gnomAD exomes 0.00001; TOPMed below 0.00001; ExAC 0.00001.
gnomAD v4.1: 8 of 1,613,938 alleles (0.0005%); highest among the groups gnomAD compares: East Asian, 0.0022%; no homozygotes.

Submission:

Labcorp Genetics (formerly Invitae), Labcorp
Classification: Uncertain significance for Charcot-Marie-Tooth disease type 4. Last evaluated: 2020-10-16. Review status: criteria provided, single submitter. Criteria: Invitae Variant Classification Sherloc (09022015). Collection method: clinical testing. Allele origin: germline.
Comment: In summary, the available evidence is currently insufficient to determine the role of this variant in disease. Therefore, it has been classified as a Variant of Uncertain Significance. Algorithms developed to predict the effect of missense changes on protein structure and function are either unavailable or do not agree on the potential impact of this missense change (SIFT: "Deleterious"; PolyPhen-2: "Probably Damaging"; Align-GVGD: "Class C0"). This variant has not been reported in the literature in individuals with SBF2-related conditions. This variant is present in population databases (rs747102118, ExAC 0.001%). This sequence change replaces arginine with glutamine at codon 77 of the SBF2 protein (p.Arg77Gln). The arginine residue is moderately conserved and there is a small physicochemical difference between arginine and glutamine.